The following is an entry in ClinVar:

NM_001130987.2(DYSF):c.2442G>A (p.Trp814Ter)

Gene: DYSF (dysferlin; plus strand). Cytogenetic location: 2p13.2.
Variant type: single nucleotide variant.
Coding change: c.2442G>A on transcript NM_001130987.2 (MANE Select); coding-DNA position 2442, G replaced by A.
Protein change: p.Trp814Ter; replaces tryptophan 814 with a stop codon.
Molecular consequence: nonsense.
Genome position (GRCh38, 1-based): chr2:71,564,090, G>A. VCF-style: chr2-71564090-G-A. GRCh37 (hg19) VCF-style: chr2-71791220-G-A.
Other names: c.2391G>A, p.Trp797Ter (NM_001130455.2, NM_001130983.2); c.2346G>A, p.Trp782Ter (NM_001130976.2, NM_001130977.2); c.2388G>A, p.Trp796Ter (NM_001130978.2, NM_003494.4); c.2481G>A, p.Trp827Ter (NM_001130979.2); c.2439G>A, p.Trp813Ter (NM_001130980.2, NM_001130981.2); c.2484G>A, p.Trp828Ter (NM_001130982.2); c.2349G>A, p.Trp783Ter (NM_001130984.2, NM_001130986.2); c.2442G>A, p.Trp814Ter (NM_001130985.2); short protein forms W813*, W782*, W783*, W797*, W796*, W814*, W827*, W828*.
Identifiers: ClinVar variation 864338 (VCV000864338.7), dbSNP rs2091945455, ClinGen allele CA347211234.

ClinVar aggregate classification (germline): Pathogenic (1 of 4 stars; one submission).

Conditions:
Neuromuscular disease caused by qualitative or quantitative defects of dysferlin. Also called: Dysferlinopathy; Qualitative or quantitative defects of dysferlin. Identifiers: Orphanet 207073, MedGen C2931687, MONDO:0016145.

Submission:

Labcorp Genetics (formerly Invitae), Labcorp
Classification: Pathogenic for Neuromuscular disease caused by qualitative or quantitative defects of dysferlin. Last evaluated: 2022-06-20. Review status: criteria provided, single submitter. Criteria: Invitae Variant Classification Sherloc (09022015). Collection method: clinical testing. Allele origin: germline.
Comment: For these reasons, this variant has been classified as Pathogenic. Algorithms developed to predict the effect of sequence changes on RNA splicing suggest that this variant may create or strengthen a splice site. ClinVar contains an entry for this variant (Variation ID: 864338). This variant has not been reported in the literature in individuals affected with DYSF-related conditions. This variant is not present in population databases (gnomAD no frequency). This sequence change creates a premature translational stop signal (p.Trp796*) in the DYSF gene. It is expected to result in an absent or disrupted protein product. Loss-of-function variants in DYSF are known to be pathogenic (PMID: 17698709, 20301480).

Literature cited by the submitters: PubMed 17698709; PubMed 20301480.